The following is an entry in ClinVar:

NM_001844.5(COL2A1):c.4127_4128dup (p.Phe1377fs)

Gene: COL2A1 (collagen type II alpha 1 chain; minus strand). Cytogenetic location: 12q13.11.
Variant type: Duplication.
Coding change: c.4127_4128dup on transcript NM_001844.5 (MANE Select); coding-DNA positions 4127 to 4128, 2 bases duplicated (CC; older notation c.4127_4128dupCC).
Protein change: p.Phe1377fs; shifts the reading frame from phenylalanine 1377.
Molecular consequence: frameshift variant.
Genome position (GRCh38, 1-based): chr12:47,974,278-47,974,279, GG duplicated on the plus strand (CC on the coding strand, the reverse complement: COL2A1 is on the minus strand). VCF-style (leftmost placement, unchanged base first): chr12-47974277-A-AGG. GRCh37 (hg19) VCF-style: chr12-48368060-A-AGG.
Other names: c.3920_3921dup, p.Phe1308fs (NM_033150.3); short protein forms F1308fs, F1377fs.
Identifiers: ClinVar variation 2836735 (VCV002836735.3), dbSNP rs2540095238, ClinGen allele CA2739271939.

ClinVar aggregate classification (germline): Pathogenic (1 of 4 stars; one submission).

Submission:

Labcorp Genetics (formerly Invitae), Labcorp
Classification: Pathogenic. Last evaluated: 2023-02-13. Review status: criteria provided, single submitter. Criteria: Invitae Variant Classification Sherloc (09022015). Collection method: clinical testing. Allele origin: germline.
Comment: For these reasons, this variant has been classified as Pathogenic. This variant disrupts a region of the COL2A1 protein in which other variant(s) (p.Phe1486del) have been determined to be pathogenic (PMID: 22495950; Invitae). This suggests that this is a clinically significant region of the protein, and that variants that disrupt it are likely to be disease-causing. This variant has not been reported in the literature in individuals affected with COL2A1-related conditions. This variant is not present in population databases (gnomAD no frequency). This sequence change creates a premature translational stop signal (p.Phe1377Profs*59) in the COL2A1 gene. While this is not anticipated to result in nonsense mediated decay, it is expected to disrupt the last 111 amino acid(s) of the COL2A1 protein.

Literature cited by the submitters: PubMed 22495950.